The following is an entry in ClinVar:

ClinVar aggregate classification (germline): Uncertain significance (1 of 4 stars; one submission).

Conditions:
Autosomal recessive limb-girdle muscular dystrophy type 2J (LGMDR10). Also called: Limb-girdle muscular dystrophy, type 2J; MUSCULAR DYSTROPHY, LIMB-GIRDLE, AUTOSOMAL RECESSIVE 10. Identifiers: Orphanet 140922, MedGen C1837342, MONDO:0012127, OMIM 608807.
Dilated cardiomyopathy 1G (CMD1G). Identifiers: Orphanet 154, MedGen C1858763, MONDO:0011400, OMIM 604145.

Submission:

Labcorp Genetics (formerly Invitae), Labcorp
Classification: Uncertain significance for Dilated cardiomyopathy 1G; Autosomal recessive limb-girdle muscular dystrophy type 2J. Last evaluated: 2024-12-02. Review status: criteria provided, single submitter. Criteria: Invitae Variant Classification Sherloc (09022015). Collection method: clinical testing. Allele origin: germline.
Comment: This sequence change replaces glutamic acid, which is acidic and polar, with lysine, which is basic and polar, at codon 35644 of the TTN protein (p.Glu35644Lys). This variant is not present in population databases (gnomAD no frequency). This variant has not been reported in the literature in individuals affected with TTN-related conditions. Experimental studies and prediction algorithms are not available or were not evaluated, and the functional significance of this variant is currently unknown. This variant is located in the M band of TTN (PMID: 25589632). Non-truncating variants in this region may be relevant for neuromuscular disorders, but have not been definitively shown to cause cardiomyopathy (PMID: 23975875). In summary, the available evidence is currently insufficient to determine the role of this variant in disease. Therefore, it has been classified as a Variant of Uncertain Significance.

Literature cited by the submitters: PubMed 25589632; PubMed 23975875.

NM_001267550.2(TTN):c.106930G>A (p.Glu35644Lys)

Genes: TTN-AS1 (TTN antisense RNA 1; plus strand), TTN (titin; minus strand). Cytogenetic location: 2q31.2.
Variant type: single nucleotide variant.
Coding change: c.106930G>A on transcript NM_001267550.2 (MANE Select); coding-DNA position 106930, G replaced by A.
Protein change: p.Glu35644Lys; replaces glutamic acid 35644 with lysine.
Molecular consequence: missense variant.
Genome position (GRCh38, 1-based): chr2:178,528,821, C>T on the plus strand (G>A on the coding strand, the complement: TTN is on the minus strand). VCF-style: chr2-178528821-C-T. GRCh37 (hg19) VCF-style: chr2-179393548-C-T.
Other names: c.102007G>A, p.Glu34003Lys (NM_001256850.1); c.79735G>A, p.Glu26579Lys (NM_003319.4); c.99226G>A, p.Glu33076Lys (NM_133378.4); c.80110G>A, p.Glu26704Lys (NM_133432.3); c.80311G>A, p.Glu26771Lys (NM_133437.4); short protein forms E26579K, E26704K, E26771K, E33076K, E34003K, E35644K.
Identifiers: ClinVar variation 3751853 (VCV003751853.2).
Genomic context (GRCh38, chr2:178,528,821, plus strand): 5'-TGGTTAGGGTCTGATCGCTGCCTGAGACACCATATCGGTACTCCTCAGAGTTGGTAAGCT[C>T]TACGCCATTCAGTACCCATTTCACATCAGTGGCACCAGCAATGTTGGCTTTTAAAACCAG-3'
Protein context (NP_001254479.2, residues 35634-35654): TDVKWVLNGV[Glu35644Lys]LTNSEEYRYG